The following is an entry in ClinVar:

ClinVar aggregate classification (germline): Uncertain significance (1 of 4 stars; one submission).

Conditions:
Myopathy, centronuclear, 2 (CNM2). Also called: MYOTUBULAR MYOPATHY, AUTOSOMAL RECESSIVE. Identifiers: Orphanet 169186, MedGen CN031787, MONDO:0009709, OMIM 255200.

Allele frequency attached by ClinVar (database versions not stated): gnomAD 0.00003; TOPMed 0.00002.
gnomAD v4.1: 23 of 1,614,058 alleles (0.0014%); highest among the groups gnomAD compares: South Asian, 0.0044%; no homozygotes.

Submission:

Labcorp Genetics (formerly Invitae), Labcorp
Classification: Uncertain significance for Myopathy, centronuclear, 2. Last evaluated: 2025-03-18. Review status: criteria provided, single submitter. Criteria: Invitae Variant Classification Sherloc (09022015). Collection method: clinical testing. Allele origin: germline.
Comment: This sequence change replaces valine, which is neutral and non-polar, with isoleucine, which is neutral and non-polar, at codon 48 of the BIN1 protein (p.Val48Ile). This variant is present in population databases (no rsID available, gnomAD 0.006%). This variant has not been reported in the literature in individuals affected with BIN1-related conditions. ClinVar contains an entry for this variant (Variation ID: 2194087). Invitae Evidence Modeling of protein sequence and biophysical properties (such as structural, functional, and spatial information, amino acid conservation, physicochemical variation, residue mobility, and thermodynamic stability) indicates that this missense variant is expected to disrupt BIN1 protein function with a positive predictive value of 80%. In summary, the available evidence is currently insufficient to determine the role of this variant in disease. Therefore, it has been classified as a Variant of Uncertain Significance.

NM_139343.3(BIN1):c.142G>A (p.Val48Ile)

Gene: BIN1 (bridging integrator 1; minus strand). Cytogenetic location: 2q14.3.
Variant type: single nucleotide variant.
Coding change: c.142G>A on transcript NM_139343.3 (MANE Select); coding-DNA position 142, G replaced by A.
Protein change: p.Val48Ile; replaces valine 48 with isoleucine.
Molecular consequence: missense variant.
Genome position (GRCh38, 1-based): chr2:127,076,649, C>T on the plus strand (G>A on the coding strand, the complement: BIN1 is on the minus strand). VCF-style: chr2-127076649-C-T. GRCh37 (hg19) VCF-style: chr2-127834225-C-T.
Other names: c.142G>A, p.Val48Ile (NM_001320632.2, NM_001320633.2, NM_001320640.2 and 10 more transcripts); c.70G>A, p.Val24Ile (NM_001320634.1); c.61G>A, p.Val21Ile (NM_001320642.1); short protein forms V24I, V21I, V48I.
Identifiers: ClinVar variation 2194087 (VCV002194087.4), dbSNP rs1394166082, ClinGen allele CA348370583.
Genomic context (GRCh38, chr2:127,076,649, plus strand): 5'-CACAAACTCCCTAAGGCCAAGGGCCACCCACACTCACCAGCTGCTTGTTGAAATTCTGGA[C>T]GCACTGCTCAAACTGCTCATCCTTGGTCTCATCTGCCTTCCCCAGCTTCTGGAGAACCTG-3'
Protein context (NP_647593.1, residues 38-58): ETKDEQFEQC[Val48Ile]QNFNKQLTEG